The following is an entry in ClinVar:

NM_025137.4(SPG11):c.1960A>G (p.Met654Val)

Gene: SPG11 (SPG11 vesicle trafficking associated, spatacsin; minus strand). Cytogenetic location: 15q21.1.
Variant type: single nucleotide variant.
Coding change: c.1960A>G on transcript NM_025137.4 (MANE Select); coding-DNA position 1960, A replaced by G.
Protein change: p.Met654Val; replaces methionine 654 with valine.
Molecular consequence: missense variant.
Genome position (GRCh38, 1-based): chr15:44,628,776, T>C on the plus strand (A>G on the coding strand, the complement: SPG11 is on the minus strand). VCF-style: chr15-44628776-T-C. GRCh37 (hg19) VCF-style: chr15-44920974-T-C.
Other names: c.1960A>G, p.Met654Val (NM_001160227.2, NM_001411132.1); short protein forms M654V.
Identifiers: ClinVar variation 3627143 (VCV003627143.2).

ClinVar aggregate classification (germline): Uncertain significance (1 of 4 stars; one submission).

Conditions:
Hereditary spastic paraplegia 11. Also called: Nakamura Osame syndrome; Autosomal recessive hereditary spastic paraplegia, mental impairment, and thin corpus callosum; Spastic paraplegia, mental retardation and thin corpus callosum; SPASTIC PARAPLEGIA, AUTOSOMAL RECESSIVE, COMPLICATED, WITH THIN CORPUS CALLOSUM; SPASTIC PARAPLEGIA, AUTOSOMAL RECESSIVE, WITH MENTAL IMPAIRMENT AND THIN CORPUS CALLOSUM; Spastic Paraplegia 11. Identifiers: Orphanet 2822, MedGen C1858479, MONDO:0011445, OMIM 604360.

gnomAD v4.1: 3 of 1,613,788 alleles (0.00019%); highest among the groups gnomAD compares: South Asian, 0.0033%; no homozygotes.

Submission:

Labcorp Genetics (formerly Invitae), Labcorp
Classification: Uncertain significance for Hereditary spastic paraplegia 11. Last evaluated: 2024-10-04. Review status: criteria provided, single submitter. Criteria: Invitae Variant Classification Sherloc (09022015). Collection method: clinical testing. Allele origin: germline.
Comment: This sequence change replaces methionine, which is neutral and non-polar, with valine, which is neutral and non-polar, at codon 654 of the SPG11 protein (p.Met654Val). This variant is not present in population databases (gnomAD no frequency). This variant has not been reported in the literature in individuals affected with SPG11-related conditions. Invitae Evidence Modeling of protein sequence and biophysical properties (such as structural, functional, and spatial information, amino acid conservation, physicochemical variation, residue mobility, and thermodynamic stability) has been performed for this missense variant. However, the output from this modeling did not meet the statistical confidence thresholds required to predict the impact of this variant on SPG11 protein function. In summary, the available evidence is currently insufficient to determine the role of this variant in disease. Therefore, it has been classified as a Variant of Uncertain Significance.